The following is an entry in ClinVar:

NM_003482.4(KMT2D):c.12055C>T (p.Leu4019Phe)

Gene: KMT2D (lysine methyltransferase 2D; minus strand). Cytogenetic location: 12q13.12.
Variant type: single nucleotide variant.
Coding change: c.12055C>T on transcript NM_003482.4 (MANE Select); coding-DNA position 12055, C replaced by T.
Protein change: p.Leu4019Phe; replaces leucine 4019 with phenylalanine.
Molecular consequence: missense variant.
Genome position (GRCh38, 1-based): chr12:49,032,650, G>A on the plus strand (C>T on the coding strand, the complement: KMT2D is on the minus strand). VCF-style: chr12-49032650-G-A. GRCh37 (hg19) VCF-style: chr12-49426433-G-A.
Other names: short protein forms L4019F.
Identifiers: ClinVar variation 2642940 (VCV002642940.24), dbSNP rs2498359033, ClinGen allele CA384713158.

ClinVar aggregate classification (germline): Uncertain significance (1 of 4 stars; one submission).

Allele frequency attached by ClinVar (database versions not stated): gnomAD exomes below 0.00001.
gnomAD v4.1: 1 of 1,613,950 alleles (0.000062%); highest among the groups gnomAD compares: South Asian, 0.0011%; no homozygotes.

Submission:

CeGaT Center for Human Genetics Tuebingen
Classification: Uncertain significance. Last evaluated: 2022-03-01. Review status: criteria provided, single submitter. Criteria: CeGaT Center For Human Genetics Tuebingen Variant Classification Criteria Version 2. Collection method: clinical testing. Allele origin: germline. Affected: yes. Observed: 1 variant allele.
Comment: KMT2D: PM2, PP2, BP4